The following is an entry in ClinVar:

NM_001035.3(RYR2):c.649A>G (p.Ile217Val)

Gene: RYR2 (ryanodine receptor 2; plus strand). Cytogenetic location: 1q43.
Variant type: single nucleotide variant.
Coding change: c.649A>G on transcript NM_001035.3 (MANE Select); coding-DNA position 649, A replaced by G.
Protein change: p.Ile217Val; replaces isoleucine 217 with valine.
Molecular consequence: missense variant.
Genome position (GRCh38, 1-based): chr1:237,387,353, A>G. VCF-style: chr1-237387353-A-G. GRCh37 (hg19) VCF-style: chr1-237550653-A-G.
Other names: p.I217V:ATC>GTC; short protein forms I217V.
Identifiers: ClinVar variation 165072 (VCV000165072.44), dbSNP rs200642525, ClinGen allele CA010179.

ClinVar aggregate classification (germline): Conflicting classifications of pathogenicity. Review status: criteria provided, conflicting classifications (1 of 4 stars). 16 submissions from 15 submitters: Uncertain significance (5); Benign (1); Likely benign (9). 1 of the submissions does not count toward it. Last evaluated 2026-05-01.

Conditions:
Cardiovascular phenotype. Identifiers: MedGen CN230736.
Cardiomyopathy (CMYO). Also called: Cardiomyopathies. Identifiers: Orphanet 167848, MedGen C0878544, MONDO:0004994, HP:0001638. Inheritance: Various modes of inheritance.
Catecholaminergic polymorphic ventricular tachycardia 1. Also called: RYR2-Related Catecholaminergic Polymorphic Ventricular Tachycardia; VENTRICULAR TACHYCARDIA, CATECHOLAMINERGIC POLYMORPHIC, 1, WITH OR WITHOUT ATRIAL DYSFUNCTION AND/OR DILATED CARDIOMYOPATHY; VENTRICULAR TACHYCARDIA, STRESS-INDUCED POLYMORPHIC 1. Identifiers: Orphanet 3286, MedGen C1631597, MONDO:0011484, OMIM 604772.
Arrhythmogenic right ventricular dysplasia 2. Identifiers: MedGen C1832931.

Allele frequency attached by ClinVar (database versions not stated): ExAC 0.00014; gnomAD exomes 0.00016 and 0.00026; ESP Exome Variant Server 0.00025; gnomAD 0.00027 and 0.00029; TOPMed 0.00028.
gnomAD v4.1: 418 of 1,613,984 alleles (0.026%); highest among the groups gnomAD compares: Non-Finnish European, 0.034%; no homozygotes.

Submissions (16):

CeGaT Center for Human Genetics Tuebingen
Classification: Likely benign. Last evaluated: 2026-05-01. Review status: criteria provided, single submitter. Criteria: CeGaT Center For Human Genetics Tuebingen Variant Classification Criteria Version 2. Collection method: clinical testing. Allele origin: germline. Affected: yes. Observed: 2 variant alleles.
Comment: RYR2: BS2

Labcorp Genetics (formerly Invitae), Labcorp
Classification: Likely benign for Catecholaminergic polymorphic ventricular tachycardia 1. Last evaluated: 2026-01-19. Review status: criteria provided, single submitter. Criteria: Invitae Variant Classification Sherloc (09022015). Collection method: clinical testing. Allele origin: germline.

Molecular Diagnostic Laboratory for Inherited Cardiovascular Disease, Montreal Heart Institute
Classification: Likely benign. Last evaluated: 2025-04-08. Review status: criteria provided, single submitter. Criteria: ACMG Guidelines, 2015. Collection method: clinical testing. Allele origin: germline. Affected: no.

Blueprint Genetics
Classification: Likely benign. Last evaluated: 2024-10-17. Review status: criteria provided, single submitter. Criteria: ACMG Guidelines, 2015. Collection method: clinical testing. Allele origin: germline.

Women's Health and Genetics/Laboratory Corporation of America, LabCorp
Classification: Likely benign. Last evaluated: 2024-08-13. Review status: criteria provided, single submitter. Criteria: LabCorp Variant Classification Summary - May 2015. Collection method: clinical testing. Allele origin: germline.
Comment: Variant summary: RYR2 c.649A>G (p.Ile217Val) results in a conservative amino acid change located in the Inositol 1,4,5-trisphosphate/ryanodine receptor (IPR014821) domain of the encoded protein sequence. Three of five in-silico tools predict a benign effect of the variant on protein function. The variant allele was found at a frequency of 0.00016 in 249166 control chromosomes, predominantly at a frequency of 0.00033 within the Non-Finnish European subpopulation in the gnomAD database. The observed variant frequency within Non-Finnish European control individuals in the gnomAD database is approximately 13 fold of the estimated maximal expected allele frequency for a pathogenic variant in RYR2 causing Cardiomyopathy phenotype (2.5e-05). c.649A>G has been reported in the literature in individuals affected with a variety of cardiac phenotypes such as syncope, HCM, ARVC, and arrythmogenic cardiomyopathy (Tester_2012, Sanchez_2016, Medeiros-Domingo_2017, Mates_2018). These report(s) do not provide unequivocal conclusions about association of the variant with Cardiomyopathy. At-least one co-occurrence with another pathogenic variant has been reported at our laboratory (MYBPC3, c.2309-2A>G, diagnostic of HCM), providing supporting evidence for a benign role. At least one publication reports experimental evidence that this variant exhibited a caffeine response similar to wildtpe (e.g. Zhong_2021), however, does not allow convincing conclusions about the variant effect. The following publications have been ascertained in the context of this evaluation (PMID: 29511324, 27194543, 27930701, 22677073, 33825858). ClinVar contains an entry for this variant (Variation ID: 165072). Based on the evidence outlined above, the variant was classified as likely benign.

GeneDx
Classification: Uncertain significance. Last evaluated: 2022-08-25. Review status: criteria provided, single submitter. Criteria: GeneDx Variant Classification Process June 2021. Collection method: clinical testing. Allele origin: germline. Affected: yes.
Comment: Reported in association sudden unexplained death, hypertrophic cardiomyopathy (HCM), and arrhythmogenic right ventricular cardiomyopathy (ARVC) in the published literature; however, some probands were found to harbor additional cardiogenetic variants (Tester et al., 2012; Medeiros-Domingo et al., 2016; Sanchez et al., 2016); In silico analysis supports that this missense variant does not alter protein structure/function; Located in one of the three hot-spot regions of the RYR2 gene, where the majority of pathogenic missense variants occur (Medeiros-Domingo et al., 2009); This variant is associated with the following publications: (PMID: 25925909, 24025405, 22677073, 25372681, 27930701, 27153395, 27194543, 27538377, 28404607, 33232181, 28988457, 33825858, Olubando2020, 29511324)

Color Diagnostics, LLC DBA Color Health
Classification: Likely benign for Cardiomyopathy. Last evaluated: 2019-12-01. Review status: criteria provided, single submitter. Criteria: ACMG Guidelines, 2015. Collection method: clinical testing. Allele origin: germline.

Illumina Laboratory Services, Illumina
Classification: Likely benign for Catecholaminergic polymorphic ventricular tachycardia 1. Last evaluated: 2019-11-14. Review status: criteria provided, single submitter. Criteria: ICSL Variant Classification Criteria 13 December 2019. Collection method: clinical testing. Allele origin: germline.
Comment: This variant was observed as part of a predisposition screen in an ostensibly healthy population. A literature search was performed for the gene, cDNA change, and amino acid change (where applicable). Publications were found based on this search. The evidence from the literature, in combination with allele frequency data from public databases where available, was sufficient to determine this variant is unlikely to cause disease. Therefore, this variant is classified as likely benign.

Illumina Laboratory Services, Illumina
Classification: Benign for Catecholaminergic polymorphic ventricular tachycardia 1. Last evaluated: 2019-11-14. Review status: criteria provided, single submitter. Criteria: ICSL Variant Classification Criteria 13 December 2019. Collection method: clinical testing. Allele origin: germline.
Comment: This variant was observed as part of a predisposition screen in an ostensibly healthy population. A literature search was performed for the gene, cDNA change, and amino acid change (where applicable). Publications were found based on this search. The evidence from the literature, in combination with allele frequency data from public databases where available, was sufficient to rule this variant out of causing disease. Therefore, this variant is classified as benign.

Ambry Genetics
Classification: Likely benign for Cardiovascular phenotype. Last evaluated: 2019-11-12. Review status: criteria provided, single submitter. Criteria: Ambry Variant Classification Scheme 2023. Collection method: clinical testing. Allele origin: germline.

CHEO Genetics Diagnostic Laboratory, Children's Hospital of Eastern Ontario
Classification: Uncertain significance for Cardiomyopathy. Last evaluated: 2017-11-02. Review status: criteria provided, single submitter. Criteria: ACMG Guidelines, 2015. Collection method: clinical testing. Allele origin: germline.

Stanford Center for Inherited Cardiovascular Disease, Stanford University
Classification: Uncertain significance. Last evaluated: 2017-09-07. Review status: criteria provided, single submitter. Criteria: ACMG Guidelines, 2015. Collection method: provider interpretation. Allele origin: germline.

Eurofins Ntd Llc (ga)
Classification: Uncertain significance. Last evaluated: 2016-12-21. Review status: criteria provided, single submitter. Criteria: EGL Classification Definitions 2015. Collection method: clinical testing. Allele origin: germline. Observed: 2 variant alleles, 2 heterozygotes.

Laboratory for Molecular Medicine, Mass General Brigham Personalized Medicine
Classification: Uncertain significance. Last evaluated: 2015-04-03. Review status: criteria provided, single submitter. Criteria: LMM Criteria. Collection method: clinical testing. Allele origin: germline. Observed: 2 variant alleles.
Comment: Thi s variant has been identified in 17/66726 of European chromosomes by the Exome A ggregation Consortium (ExAC; dbSNP rs200642525). Isoleucine (Ile) is not conserved in evolutionarily distant species and the cha nge to valine (Val) is present in Mexican tetra and lamprey. Additional computat ional prediction tools do not provide strong support for or against an impact to the protein. In summary, the clinical significance of the p.Ile217Val variant i s uncertain.

Biesecker Lab/Clinical Genomics Section, National Institutes of Health
Classification: Likely benign. Last evaluated: 2013-06-24. Review status: criteria provided, single submitter. Criteria: Ng et al. (Circ Cardiovasc Genet. 2013). Collection method: research. Allele origin: unknown. Observed: 1 variant allele. Study: ClinSeq.
Comment: The study set was not selected for affection status in relation to any cancer. Pathogenicity categories were based on literature curation. See Pubmed ID:23861362 for details.

Medical sequencing

Knight Diagnostic Laboratories, Oregon Health and Sciences University
Classification: Uncertain significance for Catecholaminergic polymorphic ventricular tachycardia 1. Last evaluated: 2016-01-27. Review status: no assertion criteria provided. Criteria: ACMG Guidelines, 2015. Collection method: clinical testing. Allele origin: germline. Affected: no. Study: CSER-NextGen. Not counted in ClinVar's aggregate classification.

Literature cited by the submitters: PubMed 22677073 (cited by 4 submitters); PubMed 27930701 (cited by Women's Health and Genetics/Laboratory Corporation of America, LabCorp and Illumina Laboratory Services, Illumina); PubMed 29511324 (cited by Women's Health and Genetics/Laboratory Corporation of America, LabCorp); PubMed 27194543 (cited by 3 submitters); PubMed 33825858 (cited by Women's Health and Genetics/Laboratory Corporation of America, LabCorp); PubMed 23861362 (cited by Ambry Genetics); PubMed 24025405 (cited by Ambry Genetics and Laboratory for Molecular Medicine, Mass General Brigham Personalized Medicine); PubMed 25925909 (cited by Ambry Genetics); PubMed 27153395 (cited by Ambry Genetics); PubMed 27538377 (cited by Ambry Genetics); PubMed 28988457 (cited by Ambry Genetics).